The following is an entry in ClinVar:

ClinVar aggregate classification (germline): Conflicting classifications of pathogenicity. Review status: criteria provided, conflicting classifications (1 of 4 stars). 8 submissions from 8 submitters: Uncertain significance (1); Benign (1); Likely benign (5). 1 of the submissions does not count toward it. Last evaluated 2026-02-02.

Conditions:
POLD1-related polyposis and colorectal cancer syndrome (CRCS10). Also called: Colorectal cancer, susceptibility to, 10; Colorectal cancer 10; COLORECTAL CANCER, SUSCEPTIBILITY TO, ON CHROMOSOME 19q. Identifiers: Orphanet 220460, MedGen C2675481, MONDO:0012953, OMIM 612591.
Hereditary cancer-predisposing syndrome. Also called: Neoplastic Syndromes, Hereditary; Hereditary neoplastic syndrome; Hereditary Cancer Syndrome; Tumor predisposition. Identifiers: Orphanet 140162, MedGen C0027672, MeSH D009386, MONDO:0015356.

Allele frequency attached by ClinVar (database versions not stated): gnomAD 0.00001 and 0.00009; TOPMed 0.00002; ESP Exome Variant Server 0.00008; gnomAD exomes 0.00022; ExAC 0.00043; 1000 Genomes Project 30x 0.00047; 1000 Genomes Project 0.00060.
gnomAD v4.1: 151 of 1,600,818 alleles (0.0094%); highest among the groups gnomAD compares: South Asian, 0.15%; 2 homozygotes.

Submissions (8):

Labcorp Genetics (formerly Invitae), Labcorp
Classification: Likely benign for POLD1-related polyposis and colorectal cancer syndrome. Last evaluated: 2026-02-02. Review status: criteria provided, single submitter. Criteria: Invitae Variant Classification Sherloc (09022015). Collection method: clinical testing. Allele origin: germline.

Women's Health and Genetics/Laboratory Corporation of America, LabCorp
Classification: Likely benign. Last evaluated: 2025-05-02. Review status: criteria provided, single submitter. Criteria: LabCorp Variant Classification Summary - May 2015. Collection method: clinical testing. Allele origin: germline.

Center for Genomic Medicine, Rigshospitalet, Copenhagen University Hospital
Classification: Uncertain significance. Last evaluated: 2025-03-04. Review status: criteria provided, single submitter. Criteria: ACMG Guidelines, 2015. Collection method: clinical testing. Allele origin: germline.

Ambry Genetics
Classification: Benign for Hereditary cancer-predisposing syndrome. Last evaluated: 2024-06-25. Review status: criteria provided, single submitter. Criteria: Ambry Variant Classification Scheme 2023. Collection method: clinical testing. Allele origin: germline.

Sema4
Classification: Likely benign for Hereditary cancer-predisposing syndrome. Last evaluated: 2021-02-19. Review status: criteria provided, single submitter. Criteria: Sema4 Curation Guidelines. Collection method: curation. Allele origin: germline.

GeneDx
Classification: Likely benign. Last evaluated: 2020-07-08. Review status: criteria provided, single submitter. Criteria: GeneDx Variant Classification Process June 2021. Collection method: clinical testing. Allele origin: germline. Affected: yes.
Comment: This variant is associated with the following publications: (PMID: 25529843, 29120461)

PreventionGenetics, part of Exact Sciences
Classification: Likely benign. Last evaluated: 2017-11-20. Review status: criteria provided, single submitter. Criteria: ACMG Guidelines, 2015. Collection method: clinical testing. Allele origin: germline.

Counsyl
Classification: Uncertain significance for POLD1-related polyposis and colorectal cancer syndrome. Last evaluated: 2018-03-14. Review status: no assertion criteria provided. Collection method: clinical testing. Allele origin: unknown. Not counted in ClinVar's aggregate classification.

Literature cited by the submitters: PubMed 25529843 (cited by Counsyl).

NM_002691.4(POLD1):c.55C>T (p.Arg19Cys)

Gene: POLD1 (DNA polymerase delta 1, catalytic subunit; plus strand). Cytogenetic location: 19q13.33.
Variant type: single nucleotide variant.
Coding change: c.55C>T on transcript NM_002691.4 (MANE Select); coding-DNA position 55, C replaced by T.
Protein change: p.Arg19Cys; replaces arginine 19 with cysteine.
Molecular consequence: missense variant. On other transcripts: non-coding transcript variant (1).
Genome position (GRCh38, 1-based): chr19:50,398,906, C>T. VCF-style: chr19-50398906-C-T. GRCh37 (hg19) VCF-style: chr19-50902163-C-T.
Other names: c.55C>T, p.Arg19Cys (NM_001256849.1, NM_001308632.1); c.55C>T (NM_002691.2); short protein forms R19C.
Identifiers: ClinVar variation 414765 (VCV000414765.22), dbSNP rs368033860, ClinGen allele CA9595598.